The following is an entry in ClinVar:

ClinVar aggregate classification (germline): Likely benign. Review status: criteria provided, multiple submitters, no conflicts (2 of 4 stars). 2 submissions from 2 submitters: Likely benign (2). Last evaluated 2025-11-21.

Conditions:
PKD1L1-related disorder. Also called: PKD1L1-related condition.

Allele frequency attached by ClinVar (database versions not stated): gnomAD 0.00001; gnomAD exomes 0.00001; TOPMed 0.00002; ExAC 0.00003; ESP Exome Variant Server 0.00008.
gnomAD v4.1: 18 of 1,613,568 alleles (0.0011%); highest among the groups gnomAD compares: African/African-American, 0.004%; no homozygotes.

Submissions (2):

PreventionGenetics, part of Exact Sciences
Classification: Likely benign for PKD1L1-related condition. Last evaluated: 2025-11-21. Review status: criteria provided, single submitter. Criteria: ACMG Guidelines, 2015. Collection method: clinical testing. Allele origin: germline.
Comment: This variant is classified as likely benign based on ACMG/AMP sequence variant interpretation guidelines (Richards et al. 2015 PMID: 25741868, with internal and published modifications).

Labcorp Genetics (formerly Invitae), Labcorp
Classification: Likely benign. Last evaluated: 2024-02-05. Review status: criteria provided, single submitter. Criteria: Invitae Variant Classification Sherloc (09022015). Collection method: clinical testing. Allele origin: germline.

NM_138295.5(PKD1L1):c.369G>A (p.Ala123=)

Gene: PKD1L1 (polycystin 1 like 1, transient receptor potential channel interacting; minus strand). Cytogenetic location: 7p12.3.
Variant type: single nucleotide variant.
Coding change: c.369G>A on transcript NM_138295.5 (MANE Select); coding-DNA position 369, G replaced by A.
Protein change: p.Ala123=; no amino-acid change (alanine 123 retained).
Molecular consequence: synonymous variant.
Genome position (GRCh38, 1-based): chr7:47,936,875, C>T on the plus strand (G>A on the coding strand, the complement: PKD1L1 is on the minus strand). VCF-style: chr7-47936875-C-T. GRCh37 (hg19) VCF-style: chr7-47976472-C-T.
Other names: c.369G>A (NM_138295.3).
Identifiers: ClinVar variation 2883274 (VCV002883274.4), dbSNP rs148682146, ClinGen allele CA4254389.